The following is an entry in ClinVar:

NM_001165963.4(SCN1A):c.3835T>C (p.Tyr1279His)

Genes: SCN1A (sodium voltage-gated channel alpha subunit 1; minus strand), LOC102724058 (uncharacterized LOC102724058; plus strand). Cytogenetic location: 2q24.3.
Variant type: single nucleotide variant.
Coding change: c.3835T>C on transcript NM_001165963.4 (MANE Select); coding-DNA position 3835, T replaced by C.
Protein change: p.Tyr1279His; replaces tyrosine 1279 with histidine.
Molecular consequence: missense variant. On other transcripts: non-coding transcript variant (1).
Genome position (GRCh38, 1-based): chr2:166,012,153, A>G on the plus strand (T>C on the coding strand, the complement: SCN1A is on the minus strand). VCF-style: chr2-166012153-A-G. GRCh37 (hg19) VCF-style: chr2-166868663-A-G.
Other names: c.3751T>C, p.Tyr1251His (NM_001165964.3, NM_001353957.2, NM_001353958.2); c.3835T>C, p.Tyr1279His (NM_001202435.3, NM_001353948.2); c.3802T>C, p.Tyr1268His (NM_001353949.2, NM_001353950.2, NM_001353951.2 and 2 more transcripts); c.3799T>C, p.Tyr1267His (NM_001353954.2, NM_001353955.2); c.3748T>C, p.Tyr1250His (NM_001353960.2); c.1393T>C, p.Tyr465His (NM_001353961.2); short protein forms Y1250H, Y1268H, Y465H, Y1267H, Y1279H, Y1251H.
Identifiers: ClinVar variation 3634023 (VCV003634023.2).
Genomic context (GRCh38, chr2:166,012,153, plus strand): 5'-TATGAACGATACCTACATCAACAATTAAGAAGTCCAGCCAACACCAGGCATTGGTGAAAT[A>G]TGTTTGATAGCCATATGCCACCCATTTTAGAAGCATTTCCAGAATGAAAATGTAAGTGAA-3'
Protein context (NP_001159435.1, residues 1269-1289): LKWVAYGYQT[Tyr1279His]FTNAWCWLDF

ClinVar aggregate classification (germline): Pathogenic (1 of 4 stars; one submission).

Conditions:
Early-infantile DEE. Also called: Early infantile epileptic encephalopathy; Ohtahara syndrome; Early infantile epileptic encephalopathy with suppression bursts. Identifiers: Orphanet 1934, MedGen C0393706, MONDO:0800491.

Submission:

Labcorp Genetics (formerly Invitae), Labcorp
Classification: Pathogenic for Early-infantile DEE. Last evaluated: 2024-06-12. Review status: criteria provided, single submitter. Criteria: Invitae Variant Classification Sherloc (09022015). Collection method: clinical testing. Allele origin: germline.
Comment: This sequence change replaces tyrosine, which is neutral and polar, with histidine, which is basic and polar, at codon 1279 of the SCN1A protein (p.Tyr1279His). This variant is not present in population databases (gnomAD no frequency). This missense change has been observed in individual(s) with clinical features of SCN1A-related conditions (Invitae). In at least one individual the variant was observed to be de novo. Advanced modeling of protein sequence and biophysical properties (such as structural, functional, and spatial information, amino acid conservation, physicochemical variation, residue mobility, and thermodynamic stability) performed at Invitae indicates that this missense variant is expected to disrupt SCN1A protein function with a positive predictive value of 95%. For these reasons, this variant has been classified as Pathogenic.